The following is an entry in ClinVar:

NC_000003.12:g.169764755A>G

Genes: TERC (telomerase RNA component; minus strand), LOC110806306 (telomerase RNA component (TERC) promoter; plus strand). Cytogenetic location: 3q26.2.
Variant type: single nucleotide variant.
Genome position: GRCh38 VCF-style: chr3-169764755-A-G. GRCh37 (hg19) VCF-style: chr3-169482543-A-G.
Identifiers: ClinVar variation 2199209 (VCV002199209.4), dbSNP rs1553915591, ClinGen allele CA436715098.

ClinVar aggregate classification (germline): Uncertain significance (1 of 4 stars; one submission).

Conditions:
Dyskeratosis congenita, autosomal dominant 1 (DKCA1). Also called: Dyskeratosis congenita Scoggins type. Identifiers: Orphanet 1775, MedGen C4551974, MONDO:0007485, OMIM 127550. Inheritance: Variable.

Submission:

Labcorp Genetics (formerly Invitae), Labcorp
Classification: Uncertain significance for Dyskeratosis congenita, autosomal dominant 1. Last evaluated: 2022-04-15. Review status: criteria provided, single submitter. Criteria: Invitae Variant Classification Sherloc (09022015). Collection method: clinical testing. Allele origin: germline.
Comment: This variant occurs in the TERC gene, which encodes an RNA molecule that does not result in a protein product. This variant is not present in population databases (gnomAD no frequency). This variant has not been reported in the literature in individuals affected with TERC-related conditions. In summary, the available evidence is currently insufficient to determine the role of this variant in disease. Therefore, it has been classified as a Variant of Uncertain Significance. This variant is located within the conserved regions 4 and 5 (CR4-CR5) domain of the TERC RNA component, which is required for telomerase activity (PMID: 15082312, 21844345).

Literature cited by the submitters: PubMed 15082312; PubMed 21844345.